The following is an entry in ClinVar:

NM_024301.5(FKRP):c.727G>C (p.Ala243Pro)

Gene: FKRP (fukutin related protein; plus strand). Cytogenetic location: 19q13.32.
Variant type: single nucleotide variant.
Coding change: c.727G>C on transcript NM_024301.5 (MANE Select); coding-DNA position 727, G replaced by C.
Protein change: p.Ala243Pro; replaces alanine 243 with proline.
Molecular consequence: missense variant.
Genome position (GRCh38, 1-based): chr19:46,756,177, G>C. VCF-style: chr19-46756177-G-C. GRCh37 (hg19) VCF-style: chr19-47259434-G-C.
Other names: c.727G>C, p.Ala243Pro (NM_001039885.3); short protein forms A243P.
Identifiers: ClinVar variation 4871349 (VCV004871349.1).

ClinVar aggregate classification (germline): Uncertain significance (1 of 4 stars; one submission).

Conditions:
Cardiovascular phenotype. Identifiers: MedGen CN230736.

Submission:

Ambry Genetics
Classification: Uncertain significance for Cardiovascular phenotype. Last evaluated: 2026-04-11. Review status: criteria provided, single submitter. Criteria: Ambry Variant Classification Scheme 2023. Collection method: clinical testing. Allele origin: germline.
Comment: The p.A243P variant (also known as c.727G>C), located in coding exon 1 of the FKRP gene, results from a G to C substitution at nucleotide position 727. The alanine at codon 243 is replaced by proline, an amino acid with highly similar properties. This amino acid position is conserved. In addition, the in silico prediction for this alteration is inconclusive. Based on the available evidence, the clinical significance of this variant remains unclear.